The following is an entry in ClinVar:

NM_020693.4(DSCAML1):c.2045G>A (p.Arg682His)

Gene: DSCAML1 (DS cell adhesion molecule like 1; minus strand). Cytogenetic location: 11q23.3.
Variant type: single nucleotide variant.
Coding change: c.2045G>A on transcript NM_020693.4 (MANE Select); coding-DNA position 2045, G replaced by A.
Protein change: p.Arg682His; replaces arginine 682 with histidine.
Molecular consequence: missense variant.
Genome position (GRCh38, 1-based): chr11:117,505,471, C>T on the plus strand (G>A on the coding strand, the complement: DSCAML1 is on the minus strand). VCF-style: chr11-117505471-C-T. GRCh37 (hg19) VCF-style: chr11-117376186-C-T.
Other names: c.2045G>A, p.Arg682His (NM_001367904.1); short protein forms R682H.
Identifiers: ClinVar variation 2105401 (VCV002105401.4), dbSNP rs1186138513, ClinGen allele CA382754978.

ClinVar aggregate classification (germline): Uncertain significance (1 of 4 stars; one submission).

Allele frequency attached by ClinVar (database versions not stated): gnomAD exomes below 0.00001; TOPMed 0.00002.
gnomAD v4.1: 2 of 1,611,004 alleles (0.00012%); highest among the groups gnomAD compares: Admixed American, 0.0017%; no homozygotes.

Submission:

Labcorp Genetics (formerly Invitae), Labcorp
Classification: Uncertain significance. Last evaluated: 2022-03-01. Review status: criteria provided, single submitter. Criteria: Invitae Variant Classification Sherloc (09022015). Collection method: clinical testing. Allele origin: germline.
Comment: Algorithms developed to predict the effect of missense changes on protein structure and function are either unavailable or do not agree on the potential impact of this missense change (SIFT: "Deleterious"; PolyPhen-2: "Possibly Damaging"; Align-GVGD: "Class C0"). This variant has not been reported in the literature in individuals affected with DSCAML1-related conditions. The frequency data for this variant in the population databases is considered unreliable, as metrics indicate poor data quality at this position in the gnomAD database. This sequence change replaces arginine, which is basic and polar, with histidine, which is basic and polar, at codon 742 of the DSCAML1 protein (p.Arg742His). In summary, the available evidence is currently insufficient to determine the role of this variant in disease. Therefore, it has been classified as a Variant of Uncertain Significance.